The following is an entry in ClinVar:

NM_000264.5(PTCH1):c.2306C>T (p.Thr769Ile)

Genes: PTCH1 (patched 1; minus strand), LOC100507346 (uncharacterized LOC100507346; plus strand). Cytogenetic location: 9q22.32.
Variant type: single nucleotide variant.
Coding change: c.2306C>T on transcript NM_000264.5 (MANE Select); coding-DNA position 2306, C replaced by T.
Protein change: p.Thr769Ile; replaces threonine 769 with isoleucine.
Molecular consequence: missense variant. On other transcripts: non-coding transcript variant (1).
Genome position (GRCh38, 1-based): chr9:95,467,370, G>A on the plus strand (C>T on the coding strand, the complement: PTCH1 is on the minus strand). VCF-style: chr9-95467370-G-A. GRCh37 (hg19) VCF-style: chr9-98229652-G-A.
Other names: c.2108C>T, p.Thr703Ile (NM_001083602.3); c.2303C>T, p.Thr768Ile (NM_001083603.3); c.1853C>T, p.Thr618Ile (NM_001083604.3, NM_001083605.3, NM_001083606.3 and 1 more transcripts); c.2150C>T, p.Thr717Ile (NM_001354918.2); short protein forms T618I, T703I, T768I, T769I, T717I.
Identifiers: ClinVar variation 226039 (VCV000226039.20), dbSNP rs755391704, ClinGen allele CA5138416.

ClinVar aggregate classification (germline): Conflicting classifications of pathogenicity. Review status: criteria provided, conflicting classifications (1 of 4 stars). 4 submissions from 4 submitters: Uncertain significance (3); Likely benign (1). Last evaluated 2025-12-08.

Conditions:
Hereditary cancer-predisposing syndrome. Also called: Tumor predisposition; Hereditary neoplastic syndrome; Neoplastic Syndromes, Hereditary; Hereditary Cancer Syndrome. Identifiers: Orphanet 140162, MedGen C0027672, MeSH D009386, MONDO:0015356.
Gorlin syndrome. Also called: Nevoid Basal Cell Carcinoma Syndrome; Basal cell nevus syndrome. Identifiers: Orphanet 377, MedGen C0004779, MONDO:0007187.

Allele frequency attached by ClinVar (database versions not stated): gnomAD exomes 0.00001; ExAC 0.00002.
gnomAD v4.1: 16 of 1,614,188 alleles (0.00099%); highest among the groups gnomAD compares: Non-Finnish European, 0.0013%; no homozygotes.

Submissions (4):

Labcorp Genetics (formerly Invitae), Labcorp
Classification: Likely benign for Gorlin syndrome. Last evaluated: 2025-12-08. Review status: criteria provided, single submitter. Criteria: Invitae Variant Classification Sherloc (09022015). Collection method: clinical testing. Allele origin: germline.

Ambry Genetics
Classification: Uncertain significance for Hereditary cancer-predisposing syndrome. Last evaluated: 2024-04-05. Review status: criteria provided, single submitter. Criteria: Ambry Variant Classification Scheme 2023. Collection method: clinical testing. Allele origin: germline.
Comment: The p.T769I variant (also known as c.2306C>T), located in coding exon 15 of the PTCH1 gene, results from a C to T substitution at nucleotide position 2306. The threonine at codon 769 is replaced by isoleucine, an amino acid with similar properties. This amino acid position is conserved. In addition, this alteration is predicted to be deleterious by in silico analysis. Since supporting evidence is limited at this time, the clinical significance of this alteration remains unclear.

GeneDx
Classification: Uncertain significance. Last evaluated: 2024-01-29. Review status: criteria provided, single submitter. Criteria: GeneDx Variant Classification Process June 2021. Collection method: clinical testing. Allele origin: germline. Affected: yes.
Comment: Not observed at significant frequency in large population cohorts (gnomAD); In silico analysis supports that this missense variant has a deleterious effect on protein structure/function; Has not been previously published as pathogenic or benign to our knowledge

CSER _CC_NCGL, University of Washington
Classification: Uncertain significance for Basal cell nevus syndrome. Last evaluated: 2015-03-11. Review status: criteria provided, single submitter. Criteria: Amendola et al. (Genome Res. 2015). Collection method: research. Allele origin: germline. Inheritance: Autosomal dominant inheritance. Study: CSER - NEXT Medicine variant annotation.